The following is an entry in ClinVar:

ClinVar aggregate classification (germline): Uncertain significance (1 of 4 stars; one submission).

Conditions:
Paroxysmal nonkinesigenic dyskinesia. Also called: Paroxysmal non-kinesigenic dyskinesia. Identifiers: Orphanet 98810, MedGen C1869117, MONDO:0700088.

Submission:

Labcorp Genetics (formerly Invitae), Labcorp
Classification: Uncertain significance for Paroxysmal nonkinesigenic dyskinesia. Last evaluated: 2022-09-30. Review status: criteria provided, single submitter. Criteria: Invitae Variant Classification Sherloc (09022015). Collection method: clinical testing. Allele origin: germline.
Comment: A copy number gain of the genomic region encompassing the full coding sequence of the PNKD gene has been identified. The boundaries of this event are unknown as they extend beyond the assayed region for this gene and therefore may encompass additional genes. As the precise location of this event is unknown, it may be in tandem or it may be located elsewhere in the genome. This variant has not been reported in the literature in individuals affected with PNKD-related conditions. In summary, the available evidence is currently insufficient to determine the role of this variant in disease. Therefore, it has been classified as a Variant of Uncertain Significance.

NC_000002.11:g.(?_219135259)_(219209704_?)dup

Genes: PNKD (PNKD metallo-beta-lactamase domain containing; plus strand), TMBIM1 (transmembrane BAX inhibitor motif containing 1; minus strand). Cytogenetic location: 2q35.
Variant type: Duplication.
Identifiers: ClinVar variation 2426171 (VCV002426171.2).